The following is an entry in ClinVar:

ClinVar aggregate classification (germline): Uncertain significance. Review status: criteria provided, multiple submitters, no conflicts (2 of 4 stars). 5 submissions from 5 submitters: Uncertain significance (4). 1 of the submissions does not count toward it. Last evaluated 2025-10-07.

Conditions:
Saldino-Mainzer syndrome (SRTD9). Also called: Renal dysplasia, retinal pigmentary dystrophy, cerebellar ataxia and skeletal dysplasia; CONORENAL SYNDROME; short-rib thoracic dysplasia 9 with or without polydactyly; SHORT-RIB THORACIC DYSPLASIA 9 WITHOUT POLYDACTYLY. Identifiers: Orphanet 140969, MedGen C1849437, MONDO:0009964, OMIM 266920.
IFT140-related disorder. Also called: IFT140-related condition.
Inborn genetic diseases. Identifiers: MedGen C0950123, MeSH D030342.
Retinitis pigmentosa 80 (RP80). Identifiers: MedGen C4540439, MONDO:0054708, OMIM 617781.

Allele frequency attached by ClinVar (database versions not stated): TOPMed 0.00001; gnomAD exomes 0.00005; ExAC 0.00007.
gnomAD v4.1: 31 of 1,604,612 alleles (0.0019%); highest among the groups gnomAD compares: South Asian, 0.024%; no homozygotes.

Submissions (5):

Ambry Genetics
Classification: Uncertain significance for Inborn genetic diseases. Last evaluated: 2025-10-07. Review status: criteria provided, single submitter. Criteria: Ambry Variant Classification Scheme 2023. Collection method: clinical testing. Allele origin: germline.

Blueprint Genetics
Classification: Uncertain significance. Last evaluated: 2023-09-18. Review status: criteria provided, single submitter. Criteria: ACMG Guidelines, 2015. Collection method: clinical testing. Allele origin: germline.

Labcorp Genetics (formerly Invitae), Labcorp
Classification: Uncertain significance for Saldino-Mainzer syndrome. Last evaluated: 2022-08-03. Review status: criteria provided, single submitter. Criteria: Invitae Variant Classification Sherloc (09022015). Collection method: clinical testing. Allele origin: germline.
Comment: This sequence change replaces arginine, which is basic and polar, with glutamine, which is neutral and polar, at codon 659 of the IFT140 protein (p.Arg659Gln). This variant is present in population databases (rs780189760, gnomAD 0.03%). This variant has not been reported in the literature in individuals affected with IFT140-related conditions. ClinVar contains an entry for this variant (Variation ID: 936907). Algorithms developed to predict the effect of missense changes on protein structure and function are either unavailable or do not agree on the potential impact of this missense change (SIFT: "Deleterious"; PolyPhen-2: "Benign"; Align-GVGD: "Class C0"). In summary, the available evidence is currently insufficient to determine the role of this variant in disease. Therefore, it has been classified as a Variant of Uncertain Significance.

Fulgent Genetics
Classification: Uncertain significance for Saldino-Mainzer syndrome; Retinitis pigmentosa 80. Last evaluated: 2021-08-18. Review status: criteria provided, single submitter. Criteria: ACMG Guidelines, 2015. Collection method: clinical testing. Allele origin: unknown.

PreventionGenetics, part of Exact Sciences
Classification: Uncertain significance for IFT140-related condition. Last evaluated: 2024-05-22. Review status: no assertion criteria provided. Collection method: clinical testing. Allele origin: germline. Not counted in ClinVar's aggregate classification.
Comment: The IFT140 c.1976G>A variant is predicted to result in the amino acid substitution p.Arg659Gln. To our knowledge, this variant has not been reported in the literature. This variant is reported in 0.030% of alleles in individuals of South Asian descent in gnomAD. At this time, the clinical significance of this variant is uncertain due to the absence of conclusive functional and genetic evidence.

NM_014714.4(IFT140):c.1976G>A (p.Arg659Gln)

Gene: IFT140 (intraflagellar transport 140; minus strand). Cytogenetic location: 16p13.3.
Variant type: single nucleotide variant.
Coding change: c.1976G>A on transcript NM_014714.4 (MANE Select); coding-DNA position 1976, G replaced by A.
Protein change: p.Arg659Gln; replaces arginine 659 with glutamine.
Molecular consequence: missense variant.
Genome position (GRCh38, 1-based): chr16:1,564,088, C>T on the plus strand (G>A on the coding strand, the complement: IFT140 is on the minus strand). VCF-style: chr16-1564088-C-T. GRCh37 (hg19) VCF-style: chr16-1614089-C-T.
Other names: short protein forms R659Q.
Identifiers: ClinVar variation 936907 (VCV000936907.9), dbSNP rs780189760, ClinGen allele CA7814060.
Genomic context (GRCh38, chr16:1,564,088, plus strand): 5'-CCGTTTGCAGACTGAGGCTGGGAGCGCGGCGTCTCCTGCACGGCTTCGCATACAAACAGC[C>T]GGGGCTCACTCTGGTCCCAGAAGTGGTTCACGGGAACATAATTTTTCAGTCCCTCATCCA-3'
Protein context (NP_055529.2, residues 649-669): VNHFWDQSEP[Arg659Gln]LFVCEAVQET